The following is an entry in ClinVar:

NM_001161352.2(KCNMA1):c.14_15insAGG (p.Gly10dup)

Gene: KCNMA1 (potassium calcium-activated channel subfamily M alpha 1; minus strand). Cytogenetic location: 10q22.3.
Variant type: Insertion.
Coding change: c.14_15insAGG on transcript NM_001161352.2 (MANE Select); coding-DNA positions 14 to 15, AGG inserted.
Protein change: p.Gly10dup; duplicates glycine 10.
Molecular consequence: inframe insertion.
Genome position: GRCh38 VCF-style: chr10-77637628-G-GCCT. GRCh37 (hg19) VCF-style: chr10-79397386-G-GCCT.
Other names: c.14_15insAGG, p.Gly10dup (NM_001014797.3, NM_001161353.2, NM_001271518.2 and 12 more transcripts).
Identifiers: ClinVar variation 2910243 (VCV002910243.3), dbSNP rs2093907468, ClinGen allele CA2497300131.

ClinVar aggregate classification (germline): Uncertain significance (1 of 4 stars; one submission).

Conditions:
Generalized epilepsy-paroxysmal dyskinesia syndrome (PNKD3). Also called: Generalized epilepsy and paroxysmal dyskinesia; Paroxysmal nonkinesigenic dyskinesia, 3, with or without generalized epilepsy. Identifiers: Orphanet 79137, MedGen C5574945, MONDO:0012276, OMIM 609446.

Submission:

Labcorp Genetics (formerly Invitae), Labcorp
Classification: Uncertain significance for Generalized epilepsy-paroxysmal dyskinesia syndrome. Last evaluated: 2023-07-25. Review status: criteria provided, single submitter. Criteria: Invitae Variant Classification Sherloc (09022015). Collection method: clinical testing. Allele origin: germline.
Comment: In summary, the available evidence is currently insufficient to determine the role of this variant in disease. Therefore, it has been classified as a Variant of Uncertain Significance. This variant is also known as p.Gly5fs. This variant has been observed in individual(s) with KCNMA1-related conditions (PMID: 29778030). This variant is not present in population databases (gnomAD no frequency). This variant, c.14_15insAGG, results in the insertion of 1 amino acid(s) of the KCNMA1 protein (p.Gly10dup), but otherwise preserves the integrity of the reading frame.

Literature cited by the submitters: PubMed 29778030.